The following is an entry in ClinVar:

NM_001375380.1(EBF3):c.1165G>A (p.Ala389Thr)

Gene: EBF3 (EBF transcription factor 3; minus strand). Cytogenetic location: 10q26.3.
Variant type: single nucleotide variant.
Coding change: c.1165G>A on transcript NM_001375380.1 (MANE Select); coding-DNA position 1165, G replaced by A.
Protein change: p.Ala389Thr; replaces alanine 389 with threonine.
Molecular consequence: missense variant.
Genome position (GRCh38, 1-based): chr10:129,843,166, C>T on the plus strand (G>A on the coding strand, the complement: EBF3 is on the minus strand). VCF-style: chr10-129843166-C-T. GRCh37 (hg19) VCF-style: chr10-131641430-C-T.
Other names: c.1138G>A, p.Ala380Thr (NM_001005463.3, NM_001375390.1, NM_001375392.1); c.1165G>A, p.Ala389Thr (NM_001375379.1, NM_001375389.1, NM_001375391.1); short protein forms A389T, A380T.
Identifiers: ClinVar variation 3572620 (VCV003572620.1).

ClinVar aggregate classification (germline): Uncertain significance (1 of 4 stars; one submission).

gnomAD v4.1: 1 of 1,613,674 alleles (0.000062%); highest among the groups gnomAD compares: Non-Finnish European, 0.000085%; no homozygotes.

Submission:

GeneDx
Classification: Uncertain significance. Last evaluated: 2024-07-08. Review status: criteria provided, single submitter. Criteria: GeneDx Variant Classification Process June 2021. Collection method: clinical testing. Allele origin: germline. Affected: yes.
Comment: Not observed at significant frequency in large population cohorts (gnomAD); In silico analysis supports that this missense variant has a deleterious effect on protein structure/function; Has not been previously published as pathogenic or benign to our knowledge